The following is an entry in ClinVar:

NM_001170629.2(CHD8):c.6586C>T (p.His2196Tyr)

Gene: CHD8 (chromodomain helicase DNA binding protein 8; minus strand). Cytogenetic location: 14q11.2.
Variant type: single nucleotide variant.
Coding change: c.6586C>T on transcript NM_001170629.2 (MANE Select); coding-DNA position 6586, C replaced by T.
Protein change: p.His2196Tyr; replaces histidine 2196 with tyrosine.
Molecular consequence: missense variant.
Genome position (GRCh38, 1-based): chr14:21,392,692, G>A on the plus strand (C>T on the coding strand, the complement: CHD8 is on the minus strand). VCF-style: chr14-21392692-G-A. GRCh37 (hg19) VCF-style: chr14-21860851-G-A.
Other names: c.5749C>T, p.His1917Tyr (NM_020920.4); short protein forms H1917Y, H2196Y.
Identifiers: ClinVar variation 2058652 (VCV002058652.4), dbSNP rs1225078774, ClinGen allele CA388878577.

ClinVar aggregate classification (germline): Uncertain significance (1 of 4 stars; one submission).

Allele frequency attached by ClinVar (database versions not stated): gnomAD exomes below 0.00001.
gnomAD v4.1: 1 of 1,613,982 alleles (0.000062%); highest among the groups gnomAD compares: Non-Finnish European, 0.000085%; no homozygotes.

Submission:

Labcorp Genetics (formerly Invitae), Labcorp
Classification: Uncertain significance. Last evaluated: 2024-02-17. Review status: criteria provided, single submitter. Criteria: Invitae Variant Classification Sherloc (09022015). Collection method: clinical testing. Allele origin: germline.
Comment: This sequence change replaces histidine, which is basic and polar, with tyrosine, which is neutral and polar, at codon 2196 of the CHD8 protein (p.His2196Tyr). This variant is not present in population databases (gnomAD no frequency). This variant has not been reported in the literature in individuals affected with CHD8-related conditions. ClinVar contains an entry for this variant (Variation ID: 2058652). Advanced modeling of protein sequence and biophysical properties (such as structural, functional, and spatial information, amino acid conservation, physicochemical variation, residue mobility, and thermodynamic stability) performed at Invitae indicates that this missense variant is not expected to disrupt CHD8 protein function with a negative predictive value of 80%. In summary, the available evidence is currently insufficient to determine the role of this variant in disease. Therefore, it has been classified as a Variant of Uncertain Significance.